The following is an entry in ClinVar:

NM_020461.4(TUBGCP6):c.3160G>A (p.Gly1054Arg)

Gene: TUBGCP6 (tubulin gamma complex component 6; minus strand). Cytogenetic location: 22q13.33.
Variant type: single nucleotide variant.
Coding change: c.3160G>A on transcript NM_020461.4 (MANE Select); coding-DNA position 3160, G replaced by A.
Protein change: p.Gly1054Arg; replaces glycine 1054 with arginine.
Molecular consequence: missense variant.
Genome position (GRCh38, 1-based): chr22:50,221,199, C>T on the plus strand (G>A on the coding strand, the complement: TUBGCP6 is on the minus strand). VCF-style: chr22-50221199-C-T. GRCh37 (hg19) VCF-style: chr22-50659628-C-T.
Other names: short protein forms G1054R.
Identifiers: ClinVar variation 1376279 (VCV001376279.5), dbSNP rs780441558, ClinGen allele CA10308035.

ClinVar aggregate classification (germline): Uncertain significance (1 of 4 stars; one submission).

Allele frequency attached by ClinVar (database versions not stated): TOPMed 0.00005.
gnomAD v4.1: 47 of 1,611,836 alleles (0.0029%); highest among the groups gnomAD compares: South Asian, 0.013%; no homozygotes.

Submission:

Labcorp Genetics (formerly Invitae), Labcorp
Classification: Uncertain significance. Last evaluated: 2024-01-22. Review status: criteria provided, single submitter. Criteria: Invitae Variant Classification Sherloc (09022015). Collection method: clinical testing. Allele origin: germline.
Comment: This sequence change replaces glycine, which is neutral and non-polar, with arginine, which is basic and polar, at codon 1054 of the TUBGCP6 protein (p.Gly1054Arg). This variant is present in population databases (rs780441558, gnomAD 0.01%). This variant has not been reported in the literature in individuals affected with TUBGCP6-related conditions. ClinVar contains an entry for this variant (Variation ID: 1376279). Algorithms developed to predict the effect of missense changes on protein structure and function output the following: SIFT: "Not Available"; PolyPhen-2: "Benign"; Align-GVGD: "Not Available". The arginine amino acid residue is found in multiple mammalian species, which suggests that this missense change does not adversely affect protein function. In summary, the available evidence is currently insufficient to determine the role of this variant in disease. Therefore, it has been classified as a Variant of Uncertain Significance.